The following is an entry in ClinVar:

NM_005121.3(MED13):c.412C>T (p.Arg138Cys)

Gene: MED13 (mediator complex subunit 13; minus strand). Cytogenetic location: 17q23.2.
Variant type: single nucleotide variant.
Coding change: c.412C>T on transcript NM_005121.3 (MANE Select); coding-DNA position 412, C replaced by T.
Protein change: p.Arg138Cys; replaces arginine 138 with cysteine.
Molecular consequence: missense variant.
Genome position (GRCh38, 1-based): chr17:62,052,595, G>A on the plus strand (C>T on the coding strand, the complement: MED13 is on the minus strand). VCF-style: chr17-62052595-G-A. GRCh37 (hg19) VCF-style: chr17-60129956-G-A.
Other names: short protein forms R138C.
Identifiers: ClinVar variation 2648020 (VCV002648020.24), dbSNP rs754708076, ClinGen allele CA8693318.

ClinVar aggregate classification (germline): Uncertain significance (1 of 4 stars; one submission).

Allele frequency attached by ClinVar (database versions not stated): ExAC 0.00001; gnomAD exomes 0.00001; TOPMed 0.00001.
gnomAD v4.1: 10 of 1,595,296 alleles (0.00063%); highest among the groups gnomAD compares: South Asian, 0.0035%; no homozygotes.

Submission:

CeGaT Center for Human Genetics Tuebingen
Classification: Uncertain significance. Last evaluated: 2022-10-01. Review status: criteria provided, single submitter. Criteria: CeGaT Center For Human Genetics Tuebingen Variant Classification Criteria Version 2. Collection method: clinical testing. Allele origin: germline. Affected: yes. Observed: 1 variant allele.
Comment: MED13: PP3